The following is an entry in ClinVar:

NM_001267550.2(TTN):c.100171+1G>A

Genes: TTN (titin; minus strand), TTN-AS1 (TTN antisense RNA 1; plus strand), LOC126806420 (BRD4-independent group 4 enhancer GRCh37_chr2:179401104-179402303; plus strand). Cytogenetic location: 2q31.2.
Variant type: single nucleotide variant.
Coding change: c.100171+1G>A on transcript NM_001267550.2 (MANE Select); the canonical splice donor site of the intron after coding-DNA position 100171, G replaced by A.
Molecular consequence: splice donor variant.
Genome position (GRCh38, 1-based): chr2:178,536,937, C>T on the plus strand (G>A on the coding strand, the complement: TTN is on the minus strand). VCF-style: chr2-178536937-C-T. GRCh37 (hg19) VCF-style: chr2-179401664-C-T.
Other names: c.72976+1G>A (NM_003319.4); c.73552+1G>A (NM_133437.4); c.73351+1G>A (NM_133432.3); c.92467+1G>A (NM_133378.4); c.95248+1G>A (NM_001256850.1).
Identifiers: ClinVar variation 1325293 (VCV001325293.5), dbSNP rs1691855470, ClinGen allele CA349426611.

ClinVar aggregate classification (germline): Likely pathogenic. Review status: criteria provided, multiple submitters, no conflicts (2 of 4 stars). 2 submissions from 2 submitters: Likely pathogenic (2). Last evaluated 2025-02-27.

Conditions:
Dilated cardiomyopathy 1G (CMD1G). Identifiers: Orphanet 154, MedGen C1858763, MONDO:0011400, OMIM 604145.
Autosomal recessive limb-girdle muscular dystrophy type 2J (LGMDR10). Also called: Limb-girdle muscular dystrophy, type 2J; MUSCULAR DYSTROPHY, LIMB-GIRDLE, AUTOSOMAL RECESSIVE 10. Identifiers: Orphanet 140922, MedGen C1837342, MONDO:0012127, OMIM 608807.

Allele frequency attached by ClinVar (database versions not stated): gnomAD exomes below 0.00001.
gnomAD v4.1: 3 of 1,599,200 alleles (0.00019%); highest among the groups gnomAD compares: Non-Finnish European, 0.00026%; no homozygotes.

Submissions (2):

Labcorp Genetics (formerly Invitae), Labcorp
Classification: Likely pathogenic for Dilated cardiomyopathy 1G; Autosomal recessive limb-girdle muscular dystrophy type 2J. Last evaluated: 2025-02-27. Review status: criteria provided, single submitter. Criteria: Invitae Variant Classification Sherloc (09022015). Collection method: clinical testing. Allele origin: germline.
Comment: This sequence change affects a donor splice site in intron 356 of the TTN gene. It is expected to disrupt RNA splicing and likely results in a truncated or disrupted TTN protein. This variant is not present in population databases (gnomAD no frequency). This variant has not been reported in the literature in individuals affected with TTN-related conditions. ClinVar contains an entry for this variant (Variation ID: 1325293). Algorithms developed to predict the effect of sequence changes on RNA splicing suggest that this variant may disrupt the consensus splice site. This variant is located in the A band of TTN (PMID: 25589632). Truncating variants in this region are significantly overrepresented in patients affected with dilated cardiomyopathy (PMID: 25589632). Truncating variants in this region have also been reported in individuals affected with autosomal recessive centronuclear myopathy (PMID: 23975875). In summary, the currently available evidence indicates that the variant is pathogenic, but additional data are needed to prove that conclusively. Therefore, this variant has been classified as Likely Pathogenic.

Revvity Omics, Revvity
Classification: Likely pathogenic. Last evaluated: 2020-03-18. Review status: criteria provided, single submitter. Criteria: ACMG Guidelines, 2015. Collection method: clinical testing. Allele origin: germline.

Literature cited by the submitters: PubMed 25589632 (cited by Labcorp Genetics (formerly Invitae), Labcorp); PubMed 23975875 (cited by Labcorp Genetics (formerly Invitae), Labcorp).